The following is an entry in ClinVar:

ClinVar aggregate classification (germline): Uncertain significance (1 of 4 stars; one submission).

Conditions:
Inborn genetic diseases. Identifiers: MedGen C0950123, MeSH D030342.

Submission:

Ambry Genetics
Classification: Uncertain significance for Inborn genetic diseases. Last evaluated: 2022-08-19. Review status: criteria provided, single submitter. Criteria: Ambry Variant Classification Scheme 2023. Collection method: clinical testing. Allele origin: germline.
Comment: The c.991-6C>T intronic alteration consists of a C to T substitution 6 nucleotides before coding exon 6 in the MAGED2 gene. Based on insufficient or conflicting evidence, the clinical significance of this alteration remains unclear.

NM_177433.3(MAGED2):c.991-6C>T

Gene: MAGED2 (MAGE family member D2; plus strand). Cytogenetic location: Xp11.21.
Variant type: single nucleotide variant.
Coding change: c.991-6C>T on transcript NM_177433.3 (MANE Select); 6 bases into the intron before coding-DNA position 991, C replaced by T.
Molecular consequence: intron variant.
Genome position (GRCh38, 1-based): chrX:54,812,151, C>T. VCF-style: chrX-54812151-C-T. GRCh37 (hg19) VCF-style: chrX-54838584-C-T.
Other names: c.991-6C>T (NM_014599.6, NM_201222.3).
Identifiers: ClinVar variation 2304039 (VCV002304039.2), dbSNP rs1434940257, ClinGen allele CA641373638.